The following is an entry in ClinVar:

NM_001083116.3(PRF1):c.368G>A (p.Arg123His)

Gene: PRF1 (perforin 1; minus strand). Cytogenetic location: 10q22.1.
Variant type: single nucleotide variant.
Coding change: c.368G>A on transcript NM_001083116.3 (MANE Select); coding-DNA position 368, G replaced by A.
Protein change: p.Arg123His; replaces arginine 123 with histidine.
Molecular consequence: missense variant.
Genome position (GRCh38, 1-based): chr10:70,600,535, C>T on the plus strand (G>A on the coding strand, the complement: PRF1 is on the minus strand). VCF-style: chr10-70600535-C-T. GRCh37 (hg19) VCF-style: chr10-72360291-C-T.
Other names: p.Arg123His; c.368G>A, p.Arg123His (NM_005041.6); short protein forms R123H.
Identifiers: ClinVar variation 789535 (VCV000789535.31), dbSNP rs139336186, ClinGen allele CA5539058.
Genomic context (GRCh38, chr10:70,600,535, plus strand): 5'-ACATTGCTGGTGGGCTTAGGAGTCACGTCCAGCCCGACCTTCCAGTCGTTGCGGATGCTA[C>T]GAGCCGCATCCCGGGCCACAGCTTCAGTGGAGCTGACTTTGGCCCTGGTTACATGGCGCT-3'
Protein context (NP_001076585.1, residues 113-133): STEAVARDAA[Arg123His]SIRNDWKVGL

ClinVar aggregate classification (germline): Conflicting classifications of pathogenicity. Review status: criteria provided, conflicting classifications (1 of 4 stars). 12 submissions from 12 submitters: Uncertain significance (8); Likely benign (1). 3 of the submissions do not count toward it. Last evaluated 2026-01-28.

Conditions:
Autoinflammatory syndrome. Identifiers: Orphanet 93665, MedGen C3890737, MONDO:0019751.
Familial hemophagocytic lymphohistiocytosis 2 (FHL2). Also called: PRF1-Related Familial Hemophagocytic Lymphohistiocytosis (PRF1-fHLH). Identifiers: Orphanet 540, MedGen C1863727, MONDO:0011337, OMIM 603553.
PRF1-related disorder. Also called: PRF1-related condition.
Lymphoma, non-Hodgkin, familial. Identifiers: MedGen C4721532, MONDO:0011508, OMIM 605027.
Aplastic anemia. Identifiers: Orphanet 182040, Orphanet 88, MedGen C0002874, MONDO:0015909, OMIM 609135, HP:0001915.

Allele frequency attached by ClinVar (database versions not stated): 1000 Genomes Project 30x 0.00016; 1000 Genomes Project 0.00020; gnomAD 0.00044 and 0.00048; TOPMed 0.00054; ESP Exome Variant Server 0.00092.
gnomAD v4.1: 615 of 1,613,266 alleles (0.038%); highest among the groups gnomAD compares: Middle Eastern, 0.53%; no homozygotes.

Submissions (12):

Labcorp Genetics (formerly Invitae), Labcorp
Classification: Likely benign for Familial hemophagocytic lymphohistiocytosis 2. Last evaluated: 2026-01-28. Review status: criteria provided, single submitter. Criteria: Invitae Variant Classification Sherloc (09022015). Collection method: clinical testing. Allele origin: germline.

Dasa
Classification: Uncertain significance. Last evaluated: 2025-05-12. Review status: criteria provided, single submitter. Criteria: DASA Assertion Criteria. Collection method: clinical testing. Allele origin: germline.
Comment: NM_001083116.3(PRF1):c.368G>A (p.Arg123His) is a missense variant that results in the substitution of arginine with histidine. This classification is supported by population frequency inconsistent with a disease-causing role. The currently available literature and clinical evidence are not sufficient to establish a definitive association between this variant and the reported condition. Therefore, this variant is classified as a variant of uncertain significance.

Mayo Clinic Laboratories, Mayo Clinic
Classification: Uncertain significance. Last evaluated: 2025-02-24. Review status: criteria provided, single submitter. Criteria: ACMG Guidelines, 2015. Collection method: clinical testing. Allele origin: germline. Observed: 3 variant alleles.
Comment: BS1

Blueprint Genetics
Classification: Uncertain significance. Last evaluated: 2024-11-13. Review status: criteria provided, single submitter. Criteria: ACMG Guidelines, 2015. Collection method: clinical testing. Allele origin: germline.

Women's Health and Genetics/Laboratory Corporation of America, LabCorp
Classification: Uncertain significance. Last evaluated: 2022-02-25. Review status: criteria provided, single submitter. Criteria: LabCorp Variant Classification Summary - May 2015. Collection method: clinical testing. Allele origin: germline.
Comment: Variant summary: PRF1 c.368G>A (p.Arg123His) results in a non-conservative amino acid change located in the Membrane attack complex component/perforin (MACPF) domain (IPR020864) of the encoded protein sequence. Four of five in-silico tools predict a benign effect of the variant on protein function. The variant allele was found at a frequency of 0.00052 in 248100 control chromosomes. This frequency is not significantly higher than expected for a pathogenic variant in PRF1 causing Familial Hemophagocytic Lymphohistiocytosis (0.00052 vs 0.0027), allowing no conclusion about variant significance. Although reported in the literature in association with Anaplastic large cell lymphoma (HGMD database), to our knowledge, no occurrence of c.368G>A in individuals affected with Familial Hemophagocytic Lymphohistiocytosis and no experimental evidence demonstrating its impact on protein function have been reported. Three clinical diagnostic laboratories have submitted clinical-significance assessments for this variant to ClinVar after 2014 without evidence for independent evaluation (likely benign, n=1, VUS, n=2). Based on the evidence outlined above, the variant was classified as uncertain significance.

Genetic Services Laboratory, University of Chicago
Classification: Uncertain significance. Last evaluated: 2021-11-29. Review status: criteria provided, single submitter. Criteria: ACMG Guidelines, 2015. Collection method: clinical testing. Allele origin: germline. Affected: no.
Comment: DNA sequence analysis of the PRF1 gene demonstrated a sequence change, c.368G>A, in exon 2 that results in an amino acid change, p.Arg123His. This sequence change does not appear to have been previously described in individual(s) with anaplastic large cell lymphoma (PMIDs: 17477373 and 24309606). This sequence change has been described in the gnomAD database with a frequency of 0.51% in the Ashkenazi Jewish subpopulation (dbSNP rs139336186). The p.Arg123His change affects a poorly conserved amino acid residue located in a domain of the PRF1 protein that is not known to be functional. In-silico pathogenicity prediction tools (SIFT, PolyPhen2, Align GVGD, REVEL) provide contradictory results for the p.Arg123His substitution. Due to insufficient evidence and the lack of functional studies, the clinical significance of the p.Arg123His change remains unknown at this time.

Department of Pathology and Laboratory Medicine, Sinai Health System
Classification: Uncertain significance for Familial hemophagocytic lymphohistiocytosis 2; Lymphoma, non-Hodgkin, familial; Aplastic anemia. Last evaluated: 2020-08-07. Review status: criteria provided, single submitter. Criteria: ACMG Guidelines, 2015. Collection method: research. Allele origin: germline.

Genome Diagnostics Laboratory, The Hospital for Sick Children
Classification: Uncertain significance for Autoinflammatory syndrome. Last evaluated: 2018-10-01. Review status: criteria provided, single submitter. Criteria: ACMG Guidelines, 2015. Collection method: clinical testing. Allele origin: germline. Affected: yes.

Illumina Laboratory Services, Illumina
Classification: Uncertain significance for Familial hemophagocytic lymphohistiocytosis 2. Last evaluated: 2017-04-28. Review status: criteria provided, single submitter. Criteria: ICSL Variant Classification Criteria 13 December 2019. Collection method: clinical testing. Allele origin: germline.
Comment: This variant was observed as part of a predisposition screen in an ostensibly healthy population. A literature search was performed for the gene, cDNA change, and amino acid change (where applicable). Publications were found based on this search. However, the evidence from the literature, in combination with allele frequency data from public databases where available, was not sufficient to rule this variant in or out of causing disease. Therefore, this variant is classified as a variant of unknown significance.

PreventionGenetics, part of Exact Sciences
Classification: Uncertain significance for PRF1-related condition. Last evaluated: 2024-09-20. Review status: no assertion criteria provided. Collection method: clinical testing. Allele origin: germline. Not counted in ClinVar's aggregate classification.
Comment: The PRF1 c.368G>A variant is predicted to result in the amino acid substitution p.Arg123His. The variant has been reported in individuals with anaplastic large cell lymphoma, although no further evidence was provided to determine its pathogenicity (Cannella et al. 2007. PubMed ID: 17477373; Ciambotti et al. 2014. PubMed ID: 24309606). The variant has also been reported as a "polymorphism" in one study of individuals with familial hemophagocytic lymphohistiocytosis (Molleran et al. 2004. PubMed ID: 14757862). This variant is reported in 0.51% of alleles in individuals of Ashkenazi Jewish descent in gnomAD. In ClinVar, this variant has conflicting interpretations of likely benign and uncertain significance. At this time, the clinical significance of this variant is uncertain due to the absence of conclusive functional and genetic evidence.

Clinical Genetics DNA and cytogenetics Diagnostics Lab, Erasmus MC, Erasmus Medical Center
Classification: Uncertain significance. Review status: no assertion criteria provided. Collection method: clinical testing. Allele origin: germline. Affected: yes. Study: VKGL Data-share Consensus. Not counted in ClinVar's aggregate classification.

Genome Diagnostics Laboratory, University Medical Center Utrecht
Classification: Uncertain significance. Review status: no assertion criteria provided. Collection method: clinical testing. Allele origin: germline. Affected: yes. Study: VKGL Data-share Consensus. Not counted in ClinVar's aggregate classification.

Literature cited by the submitters: PubMed 14757862 (cited by Mayo Clinic Laboratories, Mayo Clinic and Illumina Laboratory Services, Illumina); PubMed 17477373 (cited by Mayo Clinic Laboratories, Mayo Clinic and Illumina Laboratory Services, Illumina); PubMed 23592409 (cited by Mayo Clinic Laboratories, Mayo Clinic and Illumina Laboratory Services, Illumina); PubMed 24309606 (cited by Mayo Clinic Laboratories, Mayo Clinic and Illumina Laboratory Services, Illumina); PubMed 23287865 (cited by Illumina Laboratory Services, Illumina); PubMed 15755277 (cited by Illumina Laboratory Services, Illumina); PubMed 11179007 (cited by Illumina Laboratory Services, Illumina).